The following is an entry in ClinVar:

ClinVar aggregate classification (germline): Benign/Likely benign. Review status: criteria provided, multiple submitters, no conflicts (2 of 4 stars). 7 submissions from 7 submitters: Benign (4); Likely benign (2). 1 of the submissions does not count toward it. Last evaluated 2026-02-03.

Conditions:
Inborn genetic diseases. Identifiers: MedGen C0950123, MeSH D030342.
Rafiq syndrome (RAFQS). Identifiers: Orphanet 88616, MedGen C3280127, MONDO:0013624, OMIM 614202.

Allele frequency attached by ClinVar (database versions not stated): gnomAD exomes 0.03021 and 0.03748; ExAC 0.03091; gnomAD 0.02862 and 0.02913; ESP Exome Variant Server 0.03375; 1000 Genomes Project 0.01617; TOPMed 0.02851; 1000 Genomes Project 30x 0.01686.
gnomAD v4.1: 58,967 of 1,613,800 alleles (3.7%); highest among the groups gnomAD compares: Non-Finnish European, 4.2%; 1,258 homozygotes.

Submissions (7):

Labcorp Genetics (formerly Invitae), Labcorp
Classification: Benign for Rafiq syndrome. Last evaluated: 2026-02-03. Review status: criteria provided, single submitter. Criteria: Invitae Variant Classification Sherloc (09022015). Collection method: clinical testing. Allele origin: germline.

Mayo Clinic Laboratories, Mayo Clinic
Classification: Benign. Last evaluated: 2021-04-07. Review status: criteria provided, single submitter. Criteria: ACMG Guidelines, 2015. Collection method: clinical testing. Allele origin: germline. Observed: 2 variant alleles.

GeneDx
Classification: Likely benign. Last evaluated: 2020-02-14. Review status: criteria provided, single submitter. Criteria: GeneDx Variant Classification Process June 2021. Collection method: clinical testing. Allele origin: germline. Affected: yes.

Illumina Laboratory Services, Illumina
Classification: Benign for Rafiq syndrome. Last evaluated: 2018-01-13. Review status: criteria provided, single submitter. Criteria: ICSL Variant Classification Criteria 13 December 2019. Collection method: clinical testing. Allele origin: germline.
Comment: This variant was observed in the ICSL laboratory as part of a predisposition screen in an ostensibly healthy population. It had not been previously curated by ICSL or reported in the Human Gene Mutation Database (HGMD: prior to June 1st, 2018), and was therefore a candidate for classification through an automated scoring system. Utilizing variant allele frequency, disease prevalence and penetrance estimates, and inheritance mode, an automated score was calculated to assess if this variant is too frequent to cause the disease. Based on the score and internal cut-off values, a variant classified as benign is not then subjected to further curation. The score for this variant resulted in a classification of benign for this disease.

Ambry Genetics
Classification: Benign for Inborn genetic diseases. Last evaluated: 2016-04-20. Review status: criteria provided, single submitter. Criteria: Ambry Variant Classification Scheme 2023. Collection method: clinical testing. Allele origin: germline.

Breakthrough Genomics
Classification: Likely benign. Review status: criteria provided, single submitter. Criteria: ACMG Guidelines, 2015. Collection method: not provided. Allele origin: germline. Inheritance: Autosomal recessive inheritance. Affected: yes.

Genetic Services Laboratory, University of Chicago
Classification: Likely benign for AllHighlyPenetrant. Review status: no assertion criteria provided. Collection method: clinical testing. Allele origin: germline. Inheritance: Autosomal recessive inheritance. Not counted in ClinVar's aggregate classification.
Comment: Likely benign based on allele frequency in 1000 Genomes Project or ESP global frequency and its presence in a patient with a rare or unrelated disease phenotype. NOT Sanger confirmed.

NM_016219.5(MAN1B1):c.2052C>T (p.Tyr684=)

Gene: MAN1B1 (mannosidase alpha class 1B member 1; plus strand). Cytogenetic location: 9q34.3.
Variant type: single nucleotide variant.
Coding change: c.2052C>T on transcript NM_016219.5 (MANE Select); coding-DNA position 2052, C replaced by T.
Protein change: p.Tyr684=; no amino-acid change (tyrosine 684 retained).
Molecular consequence: synonymous variant. On other transcripts: non-coding transcript variant (2).
Genome position (GRCh38, 1-based): chr9:137,108,543, C>T. VCF-style: chr9-137108543-C-T. GRCh37 (hg19) VCF-style: chr9-140002995-C-T.
Other names: p.Tyr684=.
Identifiers: ClinVar variation 129578 (VCV000129578.28), dbSNP rs118117962, ClinGen allele CA153659.
Genomic context (GRCh38, chr9:137,108,543, plus strand): 5'-GCTCAAGTATCTGTTCTTGCTCTTCTCCGATGACCCAAACCTGCTCAGCCTGGATGCCTA[C>T]GTGTTCAACACCGAAGCCCACCCTCTGCCTATCTGGACCCCTGCCTAGGGTGGATGGCTG-3'
Protein context (NP_057303.2, residues 674-694): DDPNLLSLDA[Tyr684=]VFNTEAHPLP